The following is an entry in ClinVar:

ClinVar aggregate classification (germline): Uncertain significance (1 of 4 stars; one submission).

Conditions:
KBG syndrome (KBGS). Also called: ANKRD11-Related KBG Syndrome. Identifiers: Orphanet 2332, MedGen C0220687, MONDO:0007846, OMIM 148050.

gnomAD v4.1: 4 of 1,550,648 alleles (0.00026%); highest among the groups gnomAD compares: Admixed American, 0.0058%; no homozygotes.

Submission:

Labcorp Genetics (formerly Invitae), Labcorp
Classification: Uncertain significance for KBG syndrome. Last evaluated: 2024-03-28. Review status: criteria provided, single submitter. Criteria: Invitae Variant Classification Sherloc (09022015). Collection method: clinical testing. Allele origin: germline.
Comment: This sequence change replaces arginine, which is basic and polar, with histidine, which is basic and polar, at codon 2232 of the ANKRD11 protein (p.Arg2232His). The frequency data for this variant in the population databases is considered unreliable, as metrics indicate poor data quality at this position in the gnomAD database. This variant has not been reported in the literature in individuals affected with ANKRD11-related conditions. Advanced modeling of protein sequence and biophysical properties (such as structural, functional, and spatial information, amino acid conservation, physicochemical variation, residue mobility, and thermodynamic stability) performed at Invitae indicates that this missense variant is not expected to disrupt ANKRD11 protein function with a negative predictive value of 95%. In summary, the available evidence is currently insufficient to determine the role of this variant in disease. Therefore, it has been classified as a Variant of Uncertain Significance.

NM_013275.6(ANKRD11):c.6695G>A (p.Arg2232His)

Gene: ANKRD11 (ankyrin repeat domain 11; minus strand). Cytogenetic location: 16q24.3.
Variant type: single nucleotide variant.
Coding change: c.6695G>A on transcript NM_013275.6 (MANE Select); coding-DNA position 6695, G replaced by A.
Protein change: p.Arg2232His; replaces arginine 2232 with histidine.
Molecular consequence: missense variant.
Genome position (GRCh38, 1-based): chr16:89,279,847, C>T on the plus strand (G>A on the coding strand, the complement: ANKRD11 is on the minus strand). VCF-style: chr16-89279847-C-T. GRCh37 (hg19) VCF-style: chr16-89346255-C-T.
Other names: c.6695G>A, p.Arg2232His (NM_001256182.2, NM_001256183.2); short protein forms R2232H.
Identifiers: ClinVar variation 3720785 (VCV003720785.2).